The following is an entry in ClinVar:

NM_002519.3(NPAT):c.1607A>C (p.Gln536Pro)

Gene: NPAT (nuclear protein, coactivator of histone transcription; minus strand). Cytogenetic location: 11q22.3.
Variant type: single nucleotide variant.
Coding change: c.1607A>C on transcript NM_002519.3 (MANE Select); coding-DNA position 1607, A replaced by C.
Protein change: p.Gln536Pro; replaces glutamine 536 with proline.
Molecular consequence: missense variant.
Genome position (GRCh38, 1-based): chr11:108,173,377, T>G on the plus strand (A>C on the coding strand, the complement: NPAT is on the minus strand). VCF-style: chr11-108173377-T-G. GRCh37 (hg19) VCF-style: chr11-108044104-T-G.
Other names: c.1607A>C, p.Gln536Pro (NM_001321307.1); short protein forms Q536P.
Identifiers: ClinVar variation 1776305 (VCV001776305.2), dbSNP rs768804134, ClinGen allele CA6263959.

ClinVar aggregate classification (germline): Uncertain significance (1 of 4 stars; one submission).

Allele frequency attached by ClinVar (database versions not stated): gnomAD 0.00001; gnomAD exomes 0.00001; TOPMed 0.00001; ExAC 0.00002.
gnomAD v4.1: 17 of 1,613,806 alleles (0.0011%); highest among the groups gnomAD compares: South Asian, 0.018%; no homozygotes.

Submission:

Ambry Genetics
Classification: Uncertain significance. Last evaluated: 2024-03-13. Review status: criteria provided, single submitter. Criteria: Ambry Variant Classification Scheme 2023. Collection method: clinical testing. Allele origin: germline.
Comment: The p.Q536P variant (also known as c.1607A>C), located in coding exon 13 of the NPAT gene, results from an A to C substitution at nucleotide position 1607. The glutamine at codon 536 is replaced by proline, an amino acid with similar properties. This amino acid position is conserved. In addition, this alteration is predicted to be tolerated by in silico analysis. Since supporting evidence is limited at this time, the clinical significance of this alteration remains unclear.